The following is an entry in ClinVar:

NM_001387430.1(SH2B1):c.123T>C (p.Phe41=)

Gene: SH2B1 (SH2B adaptor protein 1; plus strand). Cytogenetic location: 16p11.2.
Variant type: single nucleotide variant.
Coding change: c.123T>C on transcript NM_001387430.1 (MANE Select); coding-DNA position 123, T replaced by C.
Protein change: p.Phe41=; no amino-acid change (phenylalanine 41 retained).
Molecular consequence: synonymous variant. On other transcripts: intron variant (1).
Genome position (GRCh38, 1-based): chr16:28,866,217, T>C. VCF-style: chr16-28866217-T-C. GRCh37 (hg19) VCF-style: chr16-28877538-T-C.
Other names: c.123T>C, p.Phe41= (NM_001145795.2, NM_001145796.2, NM_001145797.2 and 4 more transcripts); c.-26-1157T>C (NM_001308294.2).
Identifiers: ClinVar variation 3351813 (VCV003351813.1).

ClinVar aggregate classification (germline): Likely benign (0 of 4 stars; one submission).

Conditions:
SH2B1-related disorder. Also called: SH2B1-related condition.

gnomAD v4.1: 10 of 1,607,502 alleles (0.00062%); highest among the groups gnomAD compares: Admixed American, 0.005%; no homozygotes.

Submission:

PreventionGenetics, part of Exact Sciences
Classification: Likely benign for SH2B1-related condition. Last evaluated: 2024-03-30. Review status: no assertion criteria provided. Collection method: clinical testing. Allele origin: germline.
Comment: This variant is classified as likely benign based on ACMG/AMP sequence variant interpretation guidelines (Richards et al. 2015 PMID: 25741868, with internal and published modifications).